The following is an entry in ClinVar:

NM_000181.4(GUSB):c.323C>T (p.Pro108Leu)

Gene: GUSB (glucuronidase beta; minus strand). Cytogenetic location: 7q11.21.
Variant type: single nucleotide variant.
Coding change: c.323C>T on transcript NM_000181.4 (MANE Select); coding-DNA position 323, C replaced by T.
Protein change: p.Pro108Leu; replaces proline 108 with leucine.
Molecular consequence: missense variant. On other transcripts: 5 prime UTR variant (2), non-coding transcript variant (1).
Genome position (GRCh38, 1-based): chr7:65,980,297, G>A on the plus strand (C>T on the coding strand, the complement: GUSB is on the minus strand). VCF-style: chr7-65980297-G-A. GRCh37 (hg19) VCF-style: chr7-65445284-G-A.
Other names: c.323C>T, p.Pro108Leu (NM_001284290.2); c.-63C>T (NM_001293104.2); c.-7C>T (NM_001293105.2); short protein forms P108L.
Identifiers: ClinVar variation 930289 (VCV000930289.6), dbSNP rs1268678201, ClinGen allele CA367651934.
Genomic context (GRCh38, chr7:65,980,297, plus strand): 5'-GAATGGGCACTGCCAATCCTCAGCACCACTCTTGTGCGCAGGTCCTGGGTCCATCGCTCC[G>A]GCAGGATCACCTCCCGTTCGTACCACACCCAGCCGACAAAATGCCGCAGACGCCAGTCCT-3'
Protein context (NP_000172.2, residues 98-118): WVWYEREVIL[Pro108Leu]ERWTQDLRTR

ClinVar aggregate classification (germline): Conflicting classifications of pathogenicity. Review status: criteria provided, conflicting classifications (1 of 4 stars). 3 submissions from 3 submitters: Likely pathogenic (1); Uncertain significance (2). Last evaluated 2024-08-06.

Conditions:
Mucopolysaccharidosis type 7 (MPS7). Also called: SLY SYNDROME; BETA-GLUCURONIDASE DEFICIENCY; MPS VII; GUSB DEFICIENCY. Identifiers: Orphanet 584, MedGen C0085132, MONDO:0009662, OMIM 253220.

Allele frequency attached by ClinVar (database versions not stated): TOPMed 0.00001; gnomAD 0.00002 and 0.00003; gnomAD exomes 0.00003.
gnomAD v4.1: 23 of 1,611,884 alleles (0.0014%); highest among the groups gnomAD compares: Admixed American, 0.0034%; no homozygotes.

Submissions (3):

Blueprint Genetics
Classification: Uncertain significance. Last evaluated: 2024-08-06. Review status: criteria provided, single submitter. Criteria: ACMG Guidelines, 2015. Collection method: clinical testing. Allele origin: germline.

Department of Maternal-Fetal Biology, National Research Institute for Child Health and Development
Classification: Likely pathogenic for Mucopolysaccharidosis type 7. Last evaluated: 2022-01-01. Review status: criteria provided, single submitter. Criteria: ACMG Guidelines, 2015. Collection method: research. Allele origin: paternal. Affected: yes. Observed: 1 variant allele.

Centre for Mendelian Genomics, University Medical Centre Ljubljana
Classification: Uncertain significance for Mucopolysaccharidosis type 7. Last evaluated: 2020-03-25. Review status: criteria provided, single submitter. Criteria: ACMG Guidelines, 2015. Collection method: clinical testing. Allele origin: unknown. Affected: yes.
Comment: This variant was classified as: Uncertain significance. The available evidence favors the pathogenic nature of this variant, however the currently available data is insufficient to conclusively support its pathogenic nature. Thus this variant is classified as Uncertain significance - favor pathogenic. The following ACMG criteria were applied in classifying this variant: PM2,PP3.